The following is an entry in ClinVar:

NM_004820.5(CYP7B1):c.522T>C (p.Ser174=)

Gene: CYP7B1 (cytochrome P450 family 7 subfamily B member 1; minus strand). Cytogenetic location: 8q12.3.
Variant type: single nucleotide variant.
Coding change: c.522T>C on transcript NM_004820.5 (MANE Select); coding-DNA position 522, T replaced by C.
Protein change: p.Ser174=; no amino-acid change (serine 174 retained).
Molecular consequence: synonymous variant.
Genome position (GRCh38, 1-based): chr8:64,616,019, A>G on the plus strand (T>C on the coding strand, the complement: CYP7B1 is on the minus strand). VCF-style: chr8-64616019-A-G. GRCh37 (hg19) VCF-style: chr8-65528576-A-G.
Other names: p.Ser174=; c.522T>C, p.Ser174= (NM_001324112.2).
Identifiers: ClinVar variation 363585 (VCV000363585.51), dbSNP rs371522442, ClinGen allele CA4764192.

ClinVar aggregate classification (germline): Conflicting classifications of pathogenicity. Review status: criteria provided, conflicting classifications (1 of 4 stars). 6 submissions from 6 submitters: Uncertain significance (2); Likely benign (4). Last evaluated 2026-05-01.

Conditions:
Spastic paraplegia. Identifiers: MedGen C0037772, HP:0001258.
Hereditary spastic paraplegia 5A (SPG5A). Also called: SPASTIC PARAPLEGIA 5A, AUTOSOMAL RECESSIVE. Identifiers: Orphanet 100986, MedGen C1849115, MONDO:0010047, OMIM 270800.

Allele frequency attached by ClinVar (database versions not stated): ESP Exome Variant Server 0.00015; TOPMed 0.00019; gnomAD 0.00022 and 0.00028; gnomAD exomes 0.00028 and 0.00034; ExAC 0.00039; 1000 Genomes Project 30x 0.00094; 1000 Genomes Project 0.00120.
gnomAD v4.1: 448 of 1,613,732 alleles (0.028%); highest among the groups gnomAD compares: South Asian, 0.14%; no homozygotes.

Submissions (6):

CeGaT Center for Human Genetics Tuebingen
Classification: Likely benign. Last evaluated: 2026-05-01. Review status: criteria provided, single submitter. Criteria: CeGaT Center For Human Genetics Tuebingen Variant Classification Criteria Version 2. Collection method: clinical testing. Allele origin: germline. Affected: yes. Observed: 2 variant alleles.
Comment: CYP7B1: BP4, BP7

Labcorp Genetics (formerly Invitae), Labcorp
Classification: Likely benign for Spastic paraplegia. Last evaluated: 2026-02-01. Review status: criteria provided, single submitter. Criteria: Invitae Variant Classification Sherloc (09022015). Collection method: clinical testing. Allele origin: germline.

Mayo Clinic Laboratories, Mayo Clinic
Classification: Likely benign. Last evaluated: 2025-04-14. Review status: criteria provided, single submitter. Criteria: ACMG Guidelines, 2015. Collection method: clinical testing. Allele origin: germline. Observed: 1 variant allele.
Comment: BP4, BP7

Blueprint Genetics
Classification: Likely benign. Last evaluated: 2024-10-21. Review status: criteria provided, single submitter. Criteria: ACMG Guidelines, 2015. Collection method: clinical testing. Allele origin: germline.

Eurofins Ntd Llc (ga)
Classification: Uncertain significance. Last evaluated: 2018-05-04. Review status: criteria provided, single submitter. Criteria: EGL ClinVar v180209 classification definitions. Collection method: clinical testing. Allele origin: germline. Observed: 3 variant alleles, 3 heterozygotes.

Illumina Laboratory Services, Illumina
Classification: Uncertain significance for Hereditary spastic paraplegia 5A. Last evaluated: 2018-01-13. Review status: criteria provided, single submitter. Criteria: ICSL Variant Classification Criteria 13 December 2019. Collection method: clinical testing. Allele origin: germline.